The following is an entry in ClinVar:

ClinVar aggregate classification (germline): Uncertain significance. Review status: criteria provided, multiple submitters, no conflicts (2 of 4 stars). 3 submissions from 3 submitters: Uncertain significance (3). Last evaluated 2026-03-05.

Conditions:
Au-Kline syndrome. Also called: Neurodevelopmental disorder-craniofacial dysmorphism-cardiac defect-hip dysplasia syndrome due to a point mutation; Okamoto syndrome. Identifiers: Orphanet 2729, Orphanet 453499, Orphanet 453504, MedGen C4225274, MONDO:0014700, OMIM 616580.
Inborn genetic diseases. Identifiers: MedGen C0950123, MeSH D030342.

Submissions (3):

Laboratorio de Genetica e Diagnostico Molecular, Hospital Israelita Albert Einstein
Classification: Uncertain significance for Au-Kline syndrome. Last evaluated: 2026-03-05. Review status: criteria provided, single submitter. Criteria: ACMG Guidelines, 2015. Collection method: clinical testing. Allele origin: germline. Affected: yes.
Comment: ACMG classification criteria: PS2 moderate, PM2 supporting, BP4 supporting

Ambry Genetics
Classification: Uncertain significance for Inborn genetic diseases. Last evaluated: 2024-03-22. Review status: criteria provided, single submitter. Criteria: Ambry Variant Classification Scheme 2023. Collection method: clinical testing. Allele origin: germline.
Comment: The c.214-6A>G intronic alteration results from an A to G substitution 6 nucleotides before coding exon 4 of the HNRNPK gene. This variant was not reported in population-based cohorts in the Genome Aggregation Database (gnomAD). This variant has been determined to be the result of a de novo mutation in one individual with Au-Kline syndrome (ClinVar Variation ID: 2500862). This nucleotide position is highly conserved in available vertebrate species. In silico splice site analysis predicts that this alteration will not have any significant effect on splicing. Based on insufficient or conflicting evidence, the clinical significance of this alteration remains unclear.

Broad Center for Mendelian Genomics, Broad Institute of MIT and Harvard
Classification: Uncertain significance for Au-Kline syndrome. Last evaluated: 2023-05-02. Review status: criteria provided, single submitter. Criteria: ACMG Guidelines, 2015. Collection method: curation. Allele origin: germline. Inheritance: Autosomal dominant inheritance.
Comment: Trio exome analysis showed this variant to be de novo. The c.214-6A>G variant in HNRNPK has not been previously reported in individuals with Au-Kline syndrome. This variant was absent from large population studies. This variant is located in the 3‚Äô splice region. Computational tools do not suggest an impact to splicing. However, this information is not predictive enough to rule out pathogenicity. In summary, the clinical significance of the c.214-6A>G variant is uncertain. ACMG/AMP Criteria applied: PS2_Moderate, PM2_Supporting, BP4 (Richards 2015).

NM_031263.4(HNRNPK):c.214-6A>G

Genes: HNRNPK (heterogeneous nuclear ribonucleoprotein K; minus strand), HNRNPK-AS1 (HNRNPK antisense RNA 1; plus strand). Cytogenetic location: 9q21.32.
Variant type: single nucleotide variant.
Coding change: c.214-6A>G on transcript NM_031263.4 (MANE Select); 6 bases into the intron before coding-DNA position 214, A replaced by G.
Molecular consequence: intron variant.
Genome position (GRCh38, 1-based): chr9:83,975,511, T>C on the plus strand (A>G on the coding strand, the complement: HNRNPK is on the minus strand). VCF-style: chr9-83975511-T-C. GRCh37 (hg19) VCF-style: chr9-86590426-T-C.
Other names: NM_031262.4:c.214-6A>G; c.214-6A>G (NM_031262.4, NM_002140.5, NM_001318186.2 and 3 more transcripts).
Identifiers: ClinVar variation 2500862 (VCV002500862.3), dbSNP rs2492005420, ClinGen allele CA465715880.
Genomic context (GRCh38, chr9:83,975,511, plus strand): 5'-TTGGGACATACCGCTCGGGGCCACTGCTGTCTGGGACTGAAACACTGGCATTGTACTGCA[T>C]TGGTCATTGGCGTTCGTGGATGTTGGCATTGGGCATGGGCATTCAATCAGAAGTTGTCAA-3'